The following is an entry in ClinVar:

ClinVar aggregate classification (germline): Uncertain significance (1 of 4 stars; one submission).

Allele frequency attached by ClinVar (database versions not stated): gnomAD exomes below 0.00001.
gnomAD v4.1: 1 of 1,211,768 alleles (0.000083%); highest among the groups gnomAD compares: East Asian, 0.003%; no homozygotes.

Submission:

Labcorp Genetics (formerly Invitae), Labcorp
Classification: Uncertain significance. Last evaluated: 2023-04-27. Review status: criteria provided, single submitter. Criteria: Invitae Variant Classification Sherloc (09022015). Collection method: clinical testing. Allele origin: germline.
Comment: In summary, the available evidence is currently insufficient to determine the role of this variant in disease. Therefore, it has been classified as a Variant of Uncertain Significance. Experimental studies and prediction algorithms are not available or were not evaluated, and the functional significance of this variant is currently unknown. This variant has not been reported in the literature in individuals affected with DDX3X-related conditions. This variant is not present in population databases (gnomAD no frequency). This sequence change replaces serine, which is neutral and polar, with asparagine, which is neutral and polar, at codon 109 of the DDX3X protein (p.Ser109Asn).

NM_001356.5(DDX3X):c.326G>A (p.Ser109Asn)

Gene: DDX3X (DEAD-box helicase 3 X-linked; plus strand). Cytogenetic location: Xp11.4.
Variant type: single nucleotide variant.
Coding change: c.326G>A on transcript NM_001356.5 (MANE Select); coding-DNA position 326, G replaced by A.
Protein change: p.Ser109Asn; replaces serine 109 with asparagine.
Molecular consequence: missense variant. On other transcripts: 5 prime UTR variant (1), non-coding transcript variant (1).
Genome position (GRCh38, 1-based): chrX:41,342,536, G>A. VCF-style: chrX-41342536-G-A. GRCh37 (hg19) VCF-style: chrX-41201789-G-A.
Other names: c.326G>A, p.Ser109Asn (NM_001193416.3); c.278G>A, p.Ser93Asn (NM_001193417.3); c.-233G>A (NM_001363819.1); short protein forms S109N, S93N.
Identifiers: ClinVar variation 2859871 (VCV002859871.3), dbSNP rs2519508652, ClinGen allele CA412765784.